The following is an entry in ClinVar:

NM_005548.3(KARS1):c.849C>T (p.Phe283=)

Gene: KARS1 (lysyl-tRNA synthetase 1; minus strand). Cytogenetic location: 16q23.1.
Variant type: single nucleotide variant.
Coding change: c.849C>T on transcript NM_005548.3 (MANE Select); coding-DNA position 849, C replaced by T.
Protein change: p.Phe283=; no amino-acid change (phenylalanine 283 retained).
Molecular consequence: synonymous variant.
Genome position (GRCh38, 1-based): chr16:75,634,239, G>A on the plus strand (C>T on the coding strand, the complement: KARS1 is on the minus strand). VCF-style: chr16-75634239-G-A. GRCh37 (hg19) VCF-style: chr16-75668137-G-A.
Other names: c.933C>T, p.Phe311= (NM_001130089.2); c.381C>T, p.Phe127= (NM_001378148.1).
Identifiers: ClinVar variation 2646880 (VCV002646880.25), dbSNP rs773433097, ClinGen allele CA8177484.
Genomic context (GRCh38, chr16:75,634,239, plus strand): 5'-ATAGAGTTCTGGAGCAATTCTCATATATAAGTTCATGTCCAGCTCGTTGTGATAAGTGAT[G>A]AAAGGCTTGGCCACGGCTCCCCCTGGGATGATGTTCATCATGGGAGTTTCAATCTAAAAA-3'
Protein context (NP_005539.1, residues 273-293): IIPGGAVAKP[Phe283=]ITYHNELDMN

ClinVar aggregate classification (germline): Likely benign. Review status: criteria provided, multiple submitters, no conflicts (2 of 4 stars). 2 submissions from 2 submitters: Likely benign (2). Last evaluated 2025-03-24.

Allele frequency attached by ClinVar (database versions not stated): ExAC 0.00001; gnomAD exomes 0.00001.
gnomAD v4.1: 16 of 1,614,008 alleles (0.00099%); highest among the groups gnomAD compares: South Asian, 0.012%; no homozygotes.

Submissions (2):

Labcorp Genetics (formerly Invitae), Labcorp
Classification: Likely benign. Last evaluated: 2025-03-24. Review status: criteria provided, single submitter. Criteria: Invitae Variant Classification Sherloc (09022015). Collection method: clinical testing. Allele origin: germline.

CeGaT Center for Human Genetics Tuebingen
Classification: Likely benign. Last evaluated: 2023-05-01. Review status: criteria provided, single submitter. Criteria: CeGaT Center For Human Genetics Tuebingen Variant Classification Criteria Version 2. Collection method: clinical testing. Allele origin: germline. Affected: yes. Observed: 1 variant allele.
Comment: KARS1: BP4, BP7